The following is an entry in ClinVar:

ClinVar aggregate classification (germline): Uncertain significance (1 of 4 stars; one submission).

Allele frequency attached by ClinVar (database versions not stated): TOPMed below 0.00001.
gnomAD v4.1: 5 of 1,077,930 alleles (0.00046%); highest among the groups gnomAD compares: Non-Finnish European, 0.00056%; no homozygotes.

Submission:

Labcorp Genetics (formerly Invitae), Labcorp
Classification: Uncertain significance. Last evaluated: 2025-06-01. Review status: criteria provided, single submitter. Criteria: Invitae Variant Classification Sherloc (09022015). Collection method: clinical testing. Allele origin: germline.
Comment: This sequence change replaces glycine, which is neutral and non-polar, with valine, which is neutral and non-polar, at codon 966 of the GRIN2D protein (p.Gly966Val). The frequency data for this variant in the population databases is considered unreliable, as metrics indicate insufficient coverage at this position in the gnomAD database. This variant has not been reported in the literature in individuals affected with GRIN2D-related conditions. ClinVar contains an entry for this variant (Variation ID: 2990154). Invitae Evidence Modeling of protein sequence and biophysical properties (such as structural, functional, and spatial information, amino acid conservation, physicochemical variation, residue mobility, and thermodynamic stability) indicates that this missense variant is not expected to disrupt GRIN2D protein function with a negative predictive value of 95%. In summary, the available evidence is currently insufficient to determine the role of this variant in disease. Therefore, it has been classified as a Variant of Uncertain Significance.

NM_000836.4(GRIN2D):c.2897G>T (p.Gly966Val)

Gene: GRIN2D (glutamate ionotropic receptor NMDA type subunit 2D; plus strand). Cytogenetic location: 19q13.33.
Variant type: single nucleotide variant.
Coding change: c.2897G>T on transcript NM_000836.4 (MANE Select); coding-DNA position 2897, G replaced by T.
Protein change: p.Gly966Val; replaces glycine 966 with valine.
Molecular consequence: missense variant.
Genome position (GRCh38, 1-based): chr19:48,442,823, G>T. VCF-style: chr19-48442823-G-T. GRCh37 (hg19) VCF-style: chr19-48946080-G-T.
Other names: short protein forms G966V.
Identifiers: ClinVar variation 2990154 (VCV002990154.3), dbSNP rs1971316607, ClinGen allele CA406674182.